The following is an entry in ClinVar:

ClinVar aggregate classification (germline): Uncertain significance (1 of 4 stars; one submission).

Conditions:
Left ventricular noncompaction 8 (LVNC8). Identifiers: Orphanet 154, Orphanet 54260, MedGen C3809288, MONDO:0014152, OMIM 615373.

gnomAD v4.1: 1 of 1,613,650 alleles (0.000062%); highest among the groups gnomAD compares: South Asian, 0.0011%; no homozygotes.

Submission:

Labcorp Genetics (formerly Invitae), Labcorp
Classification: Uncertain significance for Left ventricular noncompaction 8. Last evaluated: 2023-07-17. Review status: criteria provided, single submitter. Criteria: Invitae Variant Classification Sherloc (09022015). Collection method: clinical testing. Allele origin: germline.
Comment: In summary, the available evidence is currently insufficient to determine the role of this variant in disease. Therefore, it has been classified as a Variant of Uncertain Significance. This sequence change replaces phenylalanine, which is neutral and non-polar, with leucine, which is neutral and non-polar, at codon 579 of the PRDM16 protein (p.Phe579Leu). This variant is not present in population databases (gnomAD no frequency). This variant has not been reported in the literature in individuals affected with PRDM16-related conditions. ClinVar contains an entry for this variant (Variation ID: 1379035). Algorithms developed to predict the effect of missense changes on protein structure and function output the following: SIFT: "Not Available"; PolyPhen-2: "Benign"; Align-GVGD: "Not Available". The leucine amino acid residue is found in multiple mammalian species, which suggests that this missense change does not adversely affect protein function.

NM_022114.4(PRDM16):c.1737C>G (p.Phe579Leu)

Gene: PRDM16 (PR/SET domain 16; plus strand). Cytogenetic location: 1p36.32.
Variant type: single nucleotide variant.
Coding change: c.1737C>G on transcript NM_022114.4 (MANE Select); coding-DNA position 1737, C replaced by G.
Protein change: p.Phe579Leu; replaces phenylalanine 579 with leucine.
Molecular consequence: missense variant.
Genome position (GRCh38, 1-based): chr1:3,411,934, C>G. VCF-style: chr1-3411934-C-G. GRCh37 (hg19) VCF-style: chr1-3328498-C-G.
Other names: c.1737C>G, p.Phe579Leu (NM_199454.3); short protein forms F579L.
Identifiers: ClinVar variation 1379035 (VCV001379035.6), dbSNP rs35579804, ClinGen allele CA337998827.
Genomic context (GRCh38, chr1:3,411,934, plus strand): 5'-CTCCGCCGTCAGCAACAGCAGCCAGGGCACGACGGCAGCTGCGGGGCCCGAGGAGAAGTT[C>G]GAGAGCCGCCTGGAGGACTCCTGTGTGGAGAAGCTGAAGACCAGGAGCAGCGACATGTCG-3'
Protein context (NP_071397.3, residues 569-589): TTAAAGPEEK[Phe579Leu]ESRLEDSCVE